The following is an entry in ClinVar:

NM_001267550.2(TTN):c.39056C>A (p.Pro13019Gln)

Gene: TTN (titin; minus strand). Cytogenetic location: 2q31.2.
Variant type: single nucleotide variant.
Coding change: c.39056C>A on transcript NM_001267550.2 (MANE Select); coding-DNA position 39056, C replaced by A.
Protein change: p.Pro13019Gln; replaces proline 13019 with glutamine.
Molecular consequence: missense variant. On other transcripts: intron variant (3).
Genome position (GRCh38, 1-based): chr2:178,652,529, G>T on the plus strand (C>A on the coding strand, the complement: TTN is on the minus strand). VCF-style: chr2-178652529-G-T. GRCh37 (hg19) VCF-style: chr2-179517256-G-T.
Other names: c.34535C>A, p.Pro11512Gln (NM_001256850.1); c.31754C>A, p.Pro10585Gln (NM_133378.4); c.13283-10212C>A (NM_003319.4); c.13859-10212C>A (NM_133437.4); c.13658-10212C>A (NM_133432.3); short protein forms P10585Q, P11512Q, P13019Q.
Identifiers: ClinVar variation 993737 (VCV000993737.11), dbSNP rs763845436, ClinGen allele CA1996881.

ClinVar aggregate classification (germline): Uncertain significance. Review status: criteria provided, multiple submitters, no conflicts (2 of 4 stars). 2 submissions from 2 submitters: Uncertain significance (2). Last evaluated 2025-12-08.

Conditions:
Dilated cardiomyopathy 1G (CMD1G). Identifiers: Orphanet 154, MedGen C1858763, MONDO:0011400, OMIM 604145.
Autosomal recessive limb-girdle muscular dystrophy type 2J (LGMDR10). Also called: MUSCULAR DYSTROPHY, LIMB-GIRDLE, AUTOSOMAL RECESSIVE 10; Limb-girdle muscular dystrophy, type 2J. Identifiers: Orphanet 140922, MedGen C1837342, MONDO:0012127, OMIM 608807.

Allele frequency attached by ClinVar (database versions not stated): TOPMed 0.00001.
gnomAD v4.1: 4 of 1,613,278 alleles (0.00025%); highest among the groups gnomAD compares: Admixed American, 0.005%; no homozygotes.

Submissions (2):

Labcorp Genetics (formerly Invitae), Labcorp
Classification: Uncertain significance for Dilated cardiomyopathy 1G; Autosomal recessive limb-girdle muscular dystrophy type 2J. Last evaluated: 2025-12-08. Review status: criteria provided, single submitter. Criteria: Invitae Variant Classification Sherloc (09022015). Collection method: clinical testing. Allele origin: germline.
Comment: This sequence change replaces proline, which is neutral and non-polar, with glutamine, which is neutral and polar, at codon 13019 of the TTN protein (p.Pro13019Gln). This variant is present in population databases (rs763845436, gnomAD 0.006%). This variant has not been reported in the literature in individuals affected with TTN-related conditions. ClinVar contains an entry for this variant (Variation ID: 993737). Experimental studies and prediction algorithms are not available or were not evaluated, and the functional significance of this variant is currently unknown. Algorithms developed to predict the effect of sequence changes on RNA splicing suggest that this variant may disrupt the consensus splice site. In summary, the available evidence is currently insufficient to determine the role of this variant in disease. Therefore, it has been classified as a Variant of Uncertain Significance.

ARUP Laboratories, Molecular Genetics and Genomics, ARUP Laboratories
Classification: Uncertain significance. Last evaluated: 2019-08-30. Review status: criteria provided, single submitter. Criteria: ARUP Molecular Germline Variant Investigation Process. Collection method: clinical testing. Allele origin: germline.
Comment: The TTN c.39056C>A; p.Pro13019Gln variant (rs763845436; ClinVar Variation ID: 467104) is rare in the general population (<1% allele frequency in the Genome Aggregation Database) and has not been reported in the medical literature in association with dilated cardiomyopathy (DCM) or other TTN-related disease. The clinical relevance of rare missense variants in this gene, which are identified on average once per individual sequenced in affected populations (Herman 2012), is not well understood. Yet, evidence suggests that the vast majority of such missense variants do not contribute to the clinical outcome of DCM (Begay 2015). Thus, the clinical significance of the p.Pro13019Gln variant cannot be determined with certainty.